The following is an entry in ClinVar:

ClinVar aggregate classification (germline): Conflicting classifications of pathogenicity. Review status: criteria provided, conflicting classifications (1 of 4 stars). 3 submissions from 3 submitters: Uncertain significance (1); Benign (1); Likely benign (1). Last evaluated 2025-12-28.

Conditions:
Hereditary nonpolyposis colorectal neoplasms. Identifiers: MedGen C0009405, MeSH D003123.
Hereditary cancer-predisposing syndrome. Also called: Neoplastic Syndromes, Hereditary; Hereditary neoplastic syndrome; Tumor predisposition; Hereditary Cancer Syndrome. Identifiers: Orphanet 140162, MedGen C0027672, MeSH D009386, MONDO:0015356.
Lynch syndrome 4 (LYNCH4). Also called: Hereditary non-polyposis colorectal cancer, type 4; Colorectal cancer, hereditary nonpolyposis, type 4. Identifiers: Orphanet 144, MedGen C1838333, MONDO:0013699, OMIM 614337. Disease mechanism: loss of function.

Allele frequency attached by ClinVar (database versions not stated): gnomAD exomes below 0.00001; TOPMed below 0.00001.
gnomAD v4.1: 1 of 1,614,026 alleles (0.000062%); highest among the groups gnomAD compares: South Asian, 0.0011%; no homozygotes.

Submissions (3):

Labcorp Genetics (formerly Invitae), Labcorp
Classification: Likely benign for Hereditary nonpolyposis colorectal neoplasms. Last evaluated: 2025-12-28. Review status: criteria provided, single submitter. Criteria: Invitae Variant Classification Sherloc (09022015). Collection method: clinical testing. Allele origin: germline.

Myriad Genetics, Inc.
Classification: Benign for Lynch syndrome 4. Last evaluated: 2025-01-27. Review status: criteria provided, single submitter. Criteria: Myriad Autosomal Dominant, Autosomal Recessive and X-Linked Classification Criteria (2023). Collection method: clinical testing. Allele origin: unknown.
Comment: This variant is considered benign. This variant is a silent/synonymous amino acid change and it is not expected to impact splicing.

Ambry Genetics
Classification: Uncertain significance for Hereditary cancer-predisposing syndrome. Last evaluated: 2025-01-10. Review status: criteria provided, single submitter. Criteria: Ambry Variant Classification Scheme 2023. Collection method: clinical testing. Allele origin: germline.
Comment: The c.663C>T variant (also known as p.P221P), located in coding exon 6 of the PMS2 gene, results from a C to T substitution at nucleotide position 663. This nucleotide substitution does not change the amino acid at codon 221. This nucleotide position is not well conserved in available vertebrate species. In silico splice site analysis for this alteration is inconclusive. Based on the available evidence, the clinical significance of this variant remains unclear.

NM_000535.7(PMS2):c.663C>T (p.Pro221=)

Gene: PMS2 (PMS1 homolog 2, mismatch repair system component; minus strand). Cytogenetic location: 7p22.1.
Variant type: single nucleotide variant.
Coding change: c.663C>T on transcript NM_000535.7 (MANE Select); coding-DNA position 663, C replaced by T.
Protein change: p.Pro221=; no amino-acid change (proline 221 retained).
Molecular consequence: synonymous variant. On other transcripts: 5 prime UTR variant (2), non-coding transcript variant (1), intron variant (1).
Genome position (GRCh38, 1-based): chr7:5,999,150, G>A on the plus strand (C>T on the coding strand, the complement: PMS2 is on the minus strand). VCF-style: chr7-5999150-G-A. GRCh37 (hg19) VCF-style: chr7-6038781-G-A.
Other names: c.258C>T, p.Pro86= (NM_001322003.2, NM_001322004.2, NM_001322005.2 and 2 more transcripts); c.663C>T, p.Pro221= (NM_001322006.2, NM_001322014.2); c.345C>T, p.Pro115= (NM_001322007.2, NM_001322008.2); c.-271C>T (NM_001322011.2, NM_001322012.2); c.354C>T, p.Pro118= (NM_001322015.2); c.133-1727C>T (NM_001322013.2).
Identifiers: ClinVar variation 237925 (VCV000237925.12), dbSNP rs878854057, ClinGen allele CA10582521.